The following is an entry in ClinVar:

ClinVar aggregate classification (germline): Uncertain significance (0 of 4 stars; one submission).

Conditions:
ITIH6-related disorder. Also called: ITIH6-related condition.

Submission:

PreventionGenetics, part of Exact Sciences
Classification: Uncertain significance for ITIH6-related condition. Last evaluated: 2024-06-18. Review status: no assertion criteria provided. Collection method: clinical testing. Allele origin: germline.
Comment: The ITIH6 c.304C>T variant is predicted to result in premature protein termination (p.Gln102*). To our knowledge, this variant has not been reported in the literature or in a large population database, indicating this variant is rare. Loss-of-function variation in ITIH6 is not an established cause of disease. At this time, the clinical significance of this variant is uncertain due to the absence of conclusive functional and genetic evidence.

NM_198510.3(ITIH6):c.304C>T (p.Gln102Ter)

Gene: ITIH6 (inter-alpha-trypsin inhibitor heavy chain family member 6; minus strand). Cytogenetic location: Xp11.22.
Variant type: single nucleotide variant.
Coding change: c.304C>T on transcript NM_198510.3 (MANE Select); coding-DNA position 304, C replaced by T.
Protein change: p.Gln102Ter; replaces glutamine 102 with a stop codon.
Molecular consequence: nonsense.
Genome position (GRCh38, 1-based): chrX:54,791,990, G>A on the plus strand (C>T on the coding strand, the complement: ITIH6 is on the minus strand). VCF-style: chrX-54791990-G-A. GRCh37 (hg19) VCF-style: chrX-54818423-G-A.
Other names: short protein forms Q102*.
Identifiers: ClinVar variation 3347338 (VCV003347338.1).